The following is an entry in ClinVar:

ClinVar aggregate classification (germline): Uncertain significance (1 of 4 stars; one submission).

Conditions:
Cone-rod dystrophy 13 (CORD13). Identifiers: Orphanet 1872, MedGen C2750720, MONDO:0011987, OMIM 608194.
Leber congenital amaurosis 6 (LCA6). Identifiers: Orphanet 65, MedGen C1854260, MONDO:0013446, OMIM 613826.

Submission:

Labcorp Genetics (formerly Invitae), Labcorp
Classification: Uncertain significance for Leber congenital amaurosis 6; Cone-rod dystrophy 13. Last evaluated: 2019-11-27. Review status: criteria provided, single submitter. Criteria: Invitae Variant Classification Sherloc (09022015). Collection method: clinical testing. Allele origin: germline.
Comment: This variant is an in-frame deletion of the genomic region encompassing exons 17-19 of the RPGRIP1 gene. It preserves the integrity of the reading frame. Deletion of exons 17-19 has been reported in an individual affected with retinitis pigmentosa (PMID: 26872967). However, in that individual pathogenic alleles were also identified in EYS, which suggests that this variant was not the primary cause of disease. Experimental studies and prediction algorithms are not available or were not evaluated, and the functional significance of this variant is currently unknown. In summary, the available evidence is currently insufficient to determine the role of this variant in disease. Therefore, it has been classified as a Variant of Uncertain Significance.

Literature cited by the submitters: PubMed 26872967.

NC_000014.9:g.(?_21327623)_(21330387_?)del

Gene: RPGRIP1 (RPGR interacting protein 1; plus strand). Cytogenetic location: 14q11.2.
Variant type: Deletion.
Identifiers: ClinVar variation 832450 (VCV000832450.1).